The following is an entry in ClinVar:

NM_006648.4(WNK2):c.2374C>T (p.Pro792Ser)

Gene: WNK2 (WNK lysine deficient protein kinase 2; plus strand). Cytogenetic location: 9q22.31.
Variant type: single nucleotide variant.
Coding change: c.2374C>T on transcript NM_006648.4 (MANE Select); coding-DNA position 2374, C replaced by T.
Protein change: p.Pro792Ser; replaces proline 792 with serine.
Molecular consequence: missense variant.
Genome position (GRCh38, 1-based): chr9:93,257,131, C>T. VCF-style: chr9-93257131-C-T. GRCh37 (hg19) VCF-style: chr9-96019413-C-T.
Other names: c.2374C>T, p.Pro792Ser (NM_001282394.3); short protein forms P792S.
Identifiers: ClinVar variation 4866522 (VCV004866522.1).
Genomic context (GRCh38, chr9:93,257,131, plus strand): 5'-CCCGCTCAGCTGAAGCCCCTCCAGATGCCACAGGCGCCCCTGCAGCCGCTTGCTCAAGTC[C>T]CTCCGCAGGTAATTCTAGGTTGATGGCTGCCGTCAGTGGTGGCGCACGCTTTGCCAGGCC-3'
Protein context (NP_006639.3, residues 782-802): QAPLQPLAQV[Pro792Ser]PQMPPIPVVP

ClinVar aggregate classification (germline): Uncertain significance (1 of 4 stars; one submission).

Submission:

Ambry Genetics
Classification: Uncertain significance. Last evaluated: 2026-03-17. Review status: criteria provided, single submitter. Criteria: Ambry Variant Classification Scheme 2023. Collection method: clinical testing. Allele origin: germline.
Comment: The p.P792S variant (also known as c.2374C>T), located in coding exon 10 of the WNK2 gene, results from a C to T substitution at nucleotide position 2374. The proline at codon 792 is replaced by serine, an amino acid with similar properties. This amino acid position is conserved. In addition, this alteration is predicted to be tolerated by in silico analysis. Based on the available evidence, the clinical significance of this variant remains unclear.